The following is an entry in ClinVar:

ClinVar aggregate classification (germline): Uncertain significance (1 of 4 stars; one submission).

Conditions:
Neurofibromatosis, type 1 (NF1). Also called: VON RECKLINGHAUSEN DISEASE; NEUROFIBROMATOSIS, TYPE I, SOMATIC; Peripheral type neurofibromatosis; Neurofibromatosis, type I. Identifiers: Orphanet 636, MedGen C0027831, MONDO:0018975, OMIM 162200. Disease mechanism: loss of function.

Submission:

Labcorp Genetics (formerly Invitae), Labcorp
Classification: Uncertain significance for Neurofibromatosis, type 1. Last evaluated: 2020-05-28. Review status: criteria provided, single submitter. Criteria: Invitae Variant Classification Sherloc (09022015). Collection method: clinical testing. Allele origin: germline.
Comment: This sequence change replaces leucine with isoleucine at codon 357 of the NF1 protein (p.Leu357Ile). The leucine residue is highly conserved and there is a small physicochemical difference between leucine and isoleucine. This variant is not present in population databases (ExAC no frequency). This variant has not been reported in the literature in individuals with NF1-related conditions. Algorithms developed to predict the effect of missense changes on protein structure and function are either unavailable or do not agree on the potential impact of this missense change (SIFT: "Tolerated"; PolyPhen-2: "Probably Damaging"; Align-GVGD: "Class C0"). This variant disrupts the p.Leu357 amino acid residue in NF1. Other variant(s) that disrupt this residue have been determined to be pathogenic (PMID: 12566521, 30530636, 10712197, 19221814). This suggests that this residue is clinically significant, and that variants that disrupt this residue are likely to be disease-causing. In summary, the available evidence is currently insufficient to determine the role of this variant in disease. Therefore, it has been classified as a Variant of Uncertain Significance.

Literature cited by the submitters: PubMed 12566521; PubMed 30530636; PubMed 10712197; PubMed 19221814.

NM_001042492.3(NF1):c.1069C>A (p.Leu357Ile)

Gene: NF1 (neurofibromin 1; plus strand). Cytogenetic location: 17q11.2.
Variant type: single nucleotide variant.
Coding change: c.1069C>A on transcript NM_001042492.3 (MANE Select); coding-DNA position 1069, C replaced by A.
Protein change: p.Leu357Ile; replaces leucine 357 with isoleucine.
Molecular consequence: missense variant.
Genome position (GRCh38, 1-based): chr17:31,201,043, C>A. VCF-style: chr17-31201043-C-A. GRCh37 (hg19) VCF-style: chr17-29528061-C-A.
Other names: c.1069C>A, p.Leu357Ile (NM_000267.4, NM_001128147.3); short protein forms L357I.
Identifiers: ClinVar variation 1042031 (VCV001042031.5), dbSNP rs1567835662, ClinGen allele CA398996693.